The following is an entry in ClinVar:

NM_006767.4(LZTR1):c.2017del (p.Asp674fs)

Gene: LZTR1 (leucine zipper like post translational regulator 1; plus strand). Cytogenetic location: 22q11.21.
Variant type: Deletion.
Coding change: c.2017del on transcript NM_006767.4 (MANE Select); coding-DNA position 2017, one base deleted (C; older notation c.2017delC).
Protein change: p.Asp674fs; shifts the reading frame from aspartic acid 674.
Molecular consequence: frameshift variant.
Genome position (GRCh38, 1-based): chr22:20,995,820, C deleted. VCF-style (leftmost placement, unchanged base first): chr22-20995819-GC-G. GRCh37 (hg19) VCF-style: chr22-21350108-GC-G.
Other names: short protein forms D674fs.
Identifiers: ClinVar variation 1371797 (VCV001371797.6), dbSNP rs2147969337, ClinGen allele CA2573157834.

ClinVar aggregate classification (germline): Pathogenic (1 of 4 stars; one submission).

Submission:

Labcorp Genetics (formerly Invitae), Labcorp
Classification: Pathogenic. Last evaluated: 2021-12-04. Review status: criteria provided, single submitter. Criteria: Invitae Variant Classification Sherloc (09022015). Collection method: clinical testing. Allele origin: germline.
Comment: This variant has not been reported in the literature in individuals affected with LZTR1-related conditions. For these reasons, this variant has been classified as Pathogenic. This sequence change creates a premature translational stop signal (p.Asp674Thrfs*33) in the LZTR1 gene. It is expected to result in an absent or disrupted protein product. Loss-of-function variants in LZTR1 are known to be pathogenic (PMID: 24362817, 25335493, 25480913, 25795793, 29469822, 30442762, 30442766, 30481304, 30859559). This variant is not present in population databases (gnomAD no frequency).

Literature cited by the submitters: PubMed 24362817; PubMed 25335493; PubMed 25480913; PubMed 25795793; PubMed 29469822; PubMed 30442762; PubMed 30442766; PubMed 30481304; PubMed 30859559.